The following is an entry in ClinVar:

ClinVar aggregate classification (germline): Uncertain significance (1 of 4 stars; one submission).

gnomAD v4.1: 9 of 1,614,120 alleles (0.00056%); highest among the groups gnomAD compares: South Asian, 0.0011%; no homozygotes.

Submission:

CeGaT Center for Human Genetics Tuebingen
Classification: Uncertain significance. Last evaluated: 2024-08-01. Review status: criteria provided, single submitter. Criteria: CeGaT Center For Human Genetics Tuebingen Variant Classification Criteria Version 2. Collection method: clinical testing. Allele origin: germline. Affected: yes. Observed: 1 variant allele.
Comment: SLC13A5: PM2, BP4

NM_177550.5(SLC13A5):c.839+8T>G

Gene: SLC13A5 (solute carrier family 13 member 5; minus strand). Cytogenetic location: 17p13.1.
Variant type: single nucleotide variant.
Coding change: c.839+8T>G on transcript NM_177550.5 (MANE Select); 8 bases into the intron after coding-DNA position 839, T replaced by G.
Molecular consequence: intron variant.
Genome position (GRCh38, 1-based): chr17:6,700,996, A>C on the plus strand (T>G on the coding strand, the complement: SLC13A5 is on the minus strand). VCF-style: chr17-6700996-A-C. GRCh37 (hg19) VCF-style: chr17-6604315-A-C.
Other names: c.710+8T>G (NM_001284510.2); c.788+8T>G (NM_001284509.2); c.839+8T>G (NM_001143838.3).
Identifiers: ClinVar variation 3341890 (VCV003341890.16).